The following is an entry in ClinVar:

NM_000455.5(STK11):c.219C>G (p.Cys73Trp)

Gene: STK11 (serine/threonine kinase 11; plus strand). Cytogenetic location: 19p13.3.
Variant type: single nucleotide variant.
Coding change: c.219C>G on transcript NM_000455.5 (MANE Select); coding-DNA position 219, C replaced by G.
Protein change: p.Cys73Trp; replaces cysteine 73 with tryptophan.
Molecular consequence: missense variant.
Genome position (GRCh38, 1-based): chr19:1,207,132, C>G. VCF-style: chr19-1207132-C-G. GRCh37 (hg19) VCF-style: chr19-1207131-C-G.
Other names: c.219C>G, p.Cys73Trp (NM_001407255.1); short protein forms C73W.
Identifiers: ClinVar variation 2118296 (VCV002118296.4), dbSNP rs761825242, ClinGen allele CA402944384.

ClinVar aggregate classification (germline): Uncertain significance (1 of 4 stars; one submission).

Conditions:
Peutz-Jeghers syndrome (PJS). Also called: POLYPOSIS, HAMARTOMATOUS INTESTINAL; POLYPS-AND-SPOTS SYNDROME; Peutz-Jeghers polyposis; Periorificial lentiginosis syndrome. Identifiers: Orphanet 2869, MedGen C0031269, MeSH D010580, MONDO:0008280, OMIM 175200.

Submission:

Labcorp Genetics (formerly Invitae), Labcorp
Classification: Uncertain significance for Peutz-Jeghers syndrome. Last evaluated: 2022-03-27. Review status: criteria provided, single submitter. Criteria: Invitae Variant Classification Sherloc (09022015). Collection method: clinical testing. Allele origin: germline.
Comment: In summary, the available evidence is currently insufficient to determine the role of this variant in disease. Therefore, it has been classified as a Variant of Uncertain Significance. Advanced modeling of protein sequence and biophysical properties (such as structural, functional, and spatial information, amino acid conservation, physicochemical variation, residue mobility, and thermodynamic stability) performed at Invitae indicates that this missense variant is expected to disrupt STK11 protein function. This sequence change replaces cysteine, which is neutral and slightly polar, with tryptophan, which is neutral and slightly polar, at codon 73 of the STK11 protein (p.Cys73Trp). This variant is not present in population databases (gnomAD no frequency). This variant has not been reported in the literature in individuals affected with STK11-related conditions.